The following is an entry in ClinVar:

NM_006734.4(HIVEP2):c.6185G>A (p.Arg2062Lys)

Gene: HIVEP2 (HIVEP zinc finger 2; minus strand). Cytogenetic location: 6q24.2.
Variant type: single nucleotide variant.
Coding change: c.6185G>A on transcript NM_006734.4 (MANE Select); coding-DNA position 6185, G replaced by A.
Protein change: p.Arg2062Lys; replaces arginine 2062 with lysine.
Molecular consequence: missense variant.
Genome position (GRCh38, 1-based): chr6:142,760,103, C>T on the plus strand (G>A on the coding strand, the complement: HIVEP2 is on the minus strand). VCF-style: chr6-142760103-C-T. GRCh37 (hg19) VCF-style: chr6-143081240-C-T.
Other names: short protein forms R2062K.
Identifiers: ClinVar variation 3059892 (VCV003059892.3), dbSNP rs769960301, ClinGen allele CA365887367.

ClinVar aggregate classification (germline): Uncertain significance. Review status: criteria provided, single submitter (1 of 4 stars). 2 submissions from 2 submitters: Uncertain significance (1). 1 of the submissions does not count toward it. Last evaluated 2025-03-01.

Conditions:
HIVEP2-related disorder. Also called: HIVEP2-related condition.

gnomAD v4.1: 2 of 1,614,072 alleles (0.00012%); highest among the groups gnomAD compares: Non-Finnish European, 0.00017%; no homozygotes.

Submissions (2):

Labcorp Genetics (formerly Invitae), Labcorp
Classification: Uncertain significance. Last evaluated: 2025-03-01. Review status: criteria provided, single submitter. Criteria: Invitae Variant Classification Sherloc (09022015). Collection method: clinical testing. Allele origin: germline.
Comment: This sequence change replaces arginine, which is basic and polar, with lysine, which is basic and polar, at codon 2062 of the HIVEP2 protein (p.Arg2062Lys). This variant is present in population databases (no rsID available, gnomAD 0.0009%). This variant has not been reported in the literature in individuals affected with HIVEP2-related conditions. ClinVar contains an entry for this variant (Variation ID: 3059892). Invitae Evidence Modeling of protein sequence and biophysical properties (such as structural, functional, and spatial information, amino acid conservation, physicochemical variation, residue mobility, and thermodynamic stability) has been performed for this missense variant. However, the output from this modeling did not meet the statistical confidence thresholds required to predict the impact of this variant on HIVEP2 protein function. In summary, the available evidence is currently insufficient to determine the role of this variant in disease. Therefore, it has been classified as a Variant of Uncertain Significance.

PreventionGenetics, part of Exact Sciences
Classification: Uncertain significance for HIVEP2-related condition. Last evaluated: 2023-12-20. Review status: no assertion criteria provided. Collection method: clinical testing. Allele origin: germline. Not counted in ClinVar's aggregate classification.
Comment: The HIVEP2 c.6185G>A variant is predicted to result in the amino acid substitution p.Arg2062Lys. To our knowledge, this variant has not been reported in the literature. This variant is reported in 0.00088% of alleles in individuals of European (Non-Finnish) descent in gnomAD. At this time, the clinical significance of this variant is uncertain due to the absence of conclusive functional and genetic evidence.